The following is an entry in ClinVar:

ClinVar aggregate classification (germline): Uncertain significance (1 of 4 stars; one submission).

Conditions:
Familial thoracic aortic aneurysm and aortic dissection (TAAD). Also called: Thoracic aortic aneurysms and dissections. Identifiers: Orphanet 91387, MedGen C4707243, MONDO:0019625.

Submission:

Ambry Genetics
Classification: Uncertain significance for Familial thoracic aortic aneurysm and aortic dissection. Last evaluated: 2022-03-23. Review status: criteria provided, single submitter. Criteria: Ambry Variant Classification Scheme 2023. Collection method: clinical testing. Allele origin: germline.
Comment: The p.E38K variant (also known as c.112G>A), located in coding exon 1 of the TGFB2 gene, results from a G to A substitution at nucleotide position 112. The glutamic acid at codon 38 is replaced by lysine, an amino acid with similar properties. This amino acid position is conserved. In addition, the in silico prediction for this alteration is inconclusive. Since supporting evidence is limited at this time, the clinical significance of this alteration remains unclear.

NM_003238.6(TGFB2):c.112G>A (p.Glu38Lys)

Gene: TGFB2 (transforming growth factor beta 2; plus strand). Cytogenetic location: 1q41.
Variant type: single nucleotide variant.
Coding change: c.112G>A on transcript NM_003238.6 (MANE Select); coding-DNA position 112, G replaced by A.
Protein change: p.Glu38Lys; replaces glutamic acid 38 with lysine.
Molecular consequence: missense variant. On other transcripts: non-coding transcript variant (2).
Genome position (GRCh38, 1-based): chr1:218,346,813, G>A. VCF-style: chr1-218346813-G-A. GRCh37 (hg19) VCF-style: chr1-218520155-G-A.
Other names: c.112G>A, p.Glu38Lys (NM_001135599.4); short protein forms E38K.
Identifiers: ClinVar variation 1727962 (VCV001727962.2), dbSNP rs1656697535, ClinGen allele CA344725311.
Genomic context (GRCh38, chr1:218,346,813, plus strand): 5'-GCGCTCAGCCTGTCTACCTGCAGCACACTCGATATGGACCAGTTCATGCGCAAGAGGATC[G>A]AGGCGATCCGCGGGCAGATCCTGAGCAAGCTGAAGCTCACCAGTCCCCCAGAAGACTATC-3'
Protein context (NP_003229.1, residues 28-48): DMDQFMRKRI[Glu38Lys]AIRGQILSKL